The following is an entry in ClinVar:

ClinVar aggregate classification (germline): Uncertain significance (1 of 4 stars; one submission).

Conditions:
Duchenne muscular dystrophy (DMD). Also called: MUSCULAR DYSTROPHY, PSEUDOHYPERTROPHIC PROGRESSIVE, DUCHENNE TYPE; Duchenne Muscular Dystrophy (DMD). Identifiers: Orphanet 98896, MedGen C0013264, MONDO:0010679, OMIM 310200.

Submission:

Labcorp Genetics (formerly Invitae), Labcorp
Classification: Uncertain significance for Duchenne muscular dystrophy. Last evaluated: 2025-08-11. Review status: criteria provided, single submitter. Criteria: Invitae Variant Classification Sherloc (09022015). Collection method: clinical testing. Allele origin: germline.
Comment: This sequence change replaces alanine, which is neutral and non-polar, with glycine, which is neutral and non-polar, at codon 2436 of the DMD protein (p.Ala2436Gly). This variant is not present in population databases (gnomAD no frequency). This variant has not been reported in the literature in individuals affected with DMD-related conditions. ClinVar contains an entry for this variant (Variation ID: 2004370). An algorithm developed to predict the effect of missense changes on protein structure and function (PolyPhen-2) suggests that this variant is likely to be disruptive. In summary, the available evidence is currently insufficient to determine the role of this variant in disease. Therefore, it has been classified as a Variant of Uncertain Significance.

NM_004006.3(DMD):c.7307C>G (p.Ala2436Gly)

Gene: DMD (dystrophin; minus strand). Cytogenetic location: Xp21.1.
Variant type: single nucleotide variant.
Coding change: c.7307C>G on transcript NM_004006.3 (MANE Select); coding-DNA position 7307, C replaced by G.
Protein change: p.Ala2436Gly; replaces alanine 2436 with glycine.
Molecular consequence: missense variant. On other transcripts: 5 prime UTR variant (5).
Genome position (GRCh38, 1-based): chrX:31,819,977, G>C on the plus strand (C>G on the coding strand, the complement: DMD is on the minus strand). VCF-style: chrX-31819977-G-C. GRCh37 (hg19) VCF-style: chrX-31838094-G-C.
Other names: c.7283C>G, p.Ala2428Gly (NM_000109.4); c.7295C>G, p.Ala2432Gly (NM_004009.3); c.6938C>G, p.Ala2313Gly (NM_004010.3); c.3284C>G, p.Ala1095Gly (NM_004011.4); c.3275C>G, p.Ala1092Gly (NM_004012.4); c.-74C>G (NM_004013.3, NM_004020.4, NM_004021.3 and 2 more transcripts); short protein forms A1092G, A2313G, A2432G, A2428G, A1095G, A2436G.
Identifiers: ClinVar variation 2004370 (VCV002004370.4), dbSNP rs2531580687, ClinGen allele CA412658452.